The following is an entry in ClinVar:

ClinVar aggregate classification (germline): Uncertain significance (1 of 4 stars; one submission).

gnomAD v4.1: 1 of 1,614,120 alleles (0.000062%); highest among the groups gnomAD compares: Non-Finnish European, 0.000085%; no homozygotes.

Submission:

GeneDx
Classification: Uncertain significance. Last evaluated: 2023-06-09. Review status: criteria provided, single submitter. Criteria: GeneDx Variant Classification Process June 2021. Collection method: clinical testing. Allele origin: germline. Affected: yes.
Comment: Not observed at significant frequency in large population cohorts (gnomAD); In silico analysis supports that this missense variant does not alter protein structure/function; Has not been previously published as pathogenic or benign to our knowledge

NM_001303.4(COX10):c.71T>C (p.Leu24Pro)

Gene: COX10 (cytochrome c oxidase assembly factor heme A:farnesyltransferase COX10; plus strand). Cytogenetic location: 17p12.
Variant type: single nucleotide variant.
Coding change: c.71T>C on transcript NM_001303.4 (MANE Select); coding-DNA position 71, T replaced by C.
Protein change: p.Leu24Pro; replaces leucine 24 with proline.
Molecular consequence: missense variant.
Genome position (GRCh38, 1-based): chr17:14,074,350, T>C. VCF-style: chr17-14074350-T-C. GRCh37 (hg19) VCF-style: chr17-13977667-T-C.
Other names: short protein forms L24P.
Identifiers: ClinVar variation 3359711 (VCV003359711.1).
Genomic context (GRCh38, chr17:14,074,350, plus strand): 5'-TTAACCTTTCTTCCACTTCTCTCTCTATTATAGGTTGCGTAGGAGGCTCTGTCTGGTATC[T>C]TGAAAGAAGAACTATACAGGACTCCCCTCACAAGTTCTTACATCTTCTCAGGAATGTCAA-3'
Protein context (NP_001294.2, residues 14-34): TGCVGGSVWY[Leu24Pro]ERRTIQDSPH